The following is an entry in ClinVar:

ClinVar aggregate classification (germline): Pathogenic/Likely pathogenic. Review status: criteria provided, multiple submitters, no conflicts (2 of 4 stars). 7 submissions from 7 submitters: Pathogenic (3); Likely pathogenic (4). Last evaluated 2025-08-24.

Conditions:
TTN-related disorder. Also called: TTN-related condition; TTN-related disease; TTN-related disorders.
Primary familial dilated cardiomyopathy (FDC). Also called: Hypokinetic dilated cardiomyopathy, familial; Familial dilated cardiomyopathy. Identifiers: Orphanet 217607, MedGen C0340427, MONDO:0016333.
Autosomal recessive limb-girdle muscular dystrophy type 2J (LGMDR10). Also called: Limb-girdle muscular dystrophy, type 2J; MUSCULAR DYSTROPHY, LIMB-GIRDLE, AUTOSOMAL RECESSIVE 10. Identifiers: Orphanet 140922, MedGen C1837342, MONDO:0012127, OMIM 608807.
Dilated cardiomyopathy 1G (CMD1G). Identifiers: Orphanet 154, MedGen C1858763, MONDO:0011400, OMIM 604145.
Cardiomyopathy (CMYO). Also called: Cardiomyopathies. Identifiers: Orphanet 167848, MedGen C0878544, MONDO:0004994, HP:0001638. Inheritance: Various modes of inheritance.
Primary dilated cardiomyopathy (DCM). Also called: Dilated Cardiomyopathy. Identifiers: Orphanet 217604, MedGen C0007193, MeSH D002311, MONDO:0005021, HP:0001644. Inheritance: Various modes of inheritance.

Submissions (7):

Labcorp Genetics (formerly Invitae), Labcorp
Classification: Likely pathogenic for Dilated cardiomyopathy 1G; Autosomal recessive limb-girdle muscular dystrophy type 2J. Last evaluated: 2025-08-24. Review status: criteria provided, single submitter. Criteria: Invitae Variant Classification Sherloc (09022015). Collection method: clinical testing. Allele origin: germline.
Comment: This sequence change creates a premature translational stop signal (p.Val30614Serfs*34) in the TTN gene. While this is not anticipated to result in nonsense mediated decay, it is expected to create a truncated TTN protein. This variant is not present in population databases (gnomAD no frequency). This variant has not been reported in the literature in individuals affected with TTN-related conditions. ClinVar contains an entry for this variant (Variation ID: 179692). This variant is located in the A band of TTN (PMID: 25589632). Truncating variants in this region are significantly overrepresented in patients affected with dilated cardiomyopathy (PMID: 25589632). Truncating variants in this region have also been reported in individuals affected with autosomal recessive centronuclear myopathy (PMID: 23975875). In summary, the currently available evidence indicates that the variant is pathogenic, but additional data are needed to prove that conclusively. Therefore, this variant has been classified as Likely Pathogenic.

Blueprint Genetics
Classification: Pathogenic for TTN-related disorders. Last evaluated: 2024-11-21. Review status: criteria provided, single submitter. Criteria: ACMG Guidelines, 2015. Collection method: clinical testing. Allele origin: germline. Affected: yes. Observed: 3 variant alleles.

Mayo Clinic Laboratories, Mayo Clinic
Classification: Likely pathogenic. Last evaluated: 2024-05-31. Review status: criteria provided, single submitter. Criteria: ACMG Guidelines, 2015. Collection method: clinical testing. Allele origin: germline. Observed: 1 variant allele.
Comment: PM2, PVS1

GeneDx
Classification: Likely pathogenic. Last evaluated: 2020-05-06. Review status: criteria provided, single submitter. Criteria: GeneDx Variant Classification Process June 2021. Collection method: clinical testing. Allele origin: germline. Affected: yes.
Comment: Has not been previously published as pathogenic or benign to our knowledge; Reported in ClinVar as a pathogenic/likely pathogenic variant (ClinVar Variant ID# 179692; Landrum et al., 2016); Not observed in large population cohorts (Lek et al., 2016); Frameshift variant predicted to result in protein truncation or nonsense mediated decay in a gene for which loss-of-function is a known mechanism of disease; Located in the A-band region of titin, where the majority of truncating pathogenic variants associated with DCM have been reported (Herman et al., 2012)

CHEO Genetics Diagnostic Laboratory, Children's Hospital of Eastern Ontario
Classification: Pathogenic for Cardiomyopathy. Last evaluated: 2017-04-24. Review status: criteria provided, single submitter. Criteria: ACMG Guidelines, 2015. Collection method: clinical testing. Allele origin: germline. Study: Canadian Open Genetics Repository.

Laboratory for Molecular Medicine, Mass General Brigham Personalized Medicine
Classification: Likely pathogenic for Primary dilated cardiomyopathy. Last evaluated: 2014-04-09. Review status: criteria provided, single submitter. Criteria: LMM Criteria. Collection method: clinical testing. Allele origin: germline. Inheritance: Autosomal dominant inheritance. Observed: 1 variant allele.
Comment: The Val28046fs variant in TTN has not been previously reported in individuals wi th cardiomyopathy or in large population studies. This variant is predicted to c ause a frameshift, which alters the protein?s amino acid sequence beginning at p osition 28046 and lead to a premature termination codon 34 amino acids downstrea m. This alteration is then predicted to lead to a truncated or absent protein. F rameshift and other truncating variants in TTN are strongly associated with DCM and the majority occur in exons encoding the A-band region of the protein (Herma n 2012, Pugh 2014), where this variant is located. In summary, this variant is l ikely to be pathogenic, though additional studies are required to fully establis h its clinical significance.

Molecular Diagnostic Laboratory for Inherited Cardiovascular Disease, Montreal Heart Institute
Classification: Pathogenic for Familial dilated cardiomyopathy. Review status: criteria provided, single submitter. Criteria: ACMG Guidelines, 2015. Collection method: clinical testing. Allele origin: germline. Affected: yes.

Literature cited by the submitters: PubMed 25589632 (cited by Labcorp Genetics (formerly Invitae), Labcorp); PubMed 23975875 (cited by Labcorp Genetics (formerly Invitae), Labcorp).

NM_001267550.2(TTN):c.91839dup (p.Val30614fs)

Genes: TTN (titin; minus strand), TTN-AS1 (TTN antisense RNA 1; plus strand). Cytogenetic location: 2q31.2.
Variant type: Duplication.
Coding change: c.91839dup on transcript NM_001267550.2 (MANE Select); coding-DNA position 91839, one base duplicated (A; older notation c.91839dupA).
Protein change: p.Val30614fs; shifts the reading frame from valine 30614.
Molecular consequence: frameshift variant (on NM_001256850.1).
Genome position (GRCh38, 1-based): chr2:178,549,999, T duplicated on the plus strand (A on the coding strand, the reverse complement: TTN is on the minus strand); the first of 3 consecutive T bases (chr2:178,549,999-178,550,001); duplicating any one gives the same sequence. VCF-style (leftmost placement, unchanged base first): chr2-178549998-C-CT. GRCh37 (hg19) VCF-style: chr2-179414725-C-CT.
Other names: p.Val28973Serfs*34; c.86916dupA (NM_001256850.1); c.84135dupA (NM_133378.4); c.91839dupA (NM_001267550.2); c.86916dup, p.Val28973fs (NM_001256850.1); c.64644dup, p.Val21549fs (NM_003319.4); c.84135dup, p.Val28046fs (NM_133378.4); c.65019dup, p.Val21674fs (NM_133432.3); and 1 more; short protein forms V21549fs, V30614fs, V21741fs, V28973fs, V21674fs, V28046fs.
Identifiers: ClinVar variation 179692 (VCV000179692.22), dbSNP rs730880365, ClinGen allele CA273643.
Genomic context (GRCh38, chr2:178,549,998, plus strand): 5'-TAATCCAAGTTCATAAATTGTAGCATTAAGAAGCTATTTTAAAAGTACCTTGTACTTTCA[C>CT]TTTAATTTCTGCTTTTGCAGAACCAGATGCATTTTTGGCTTCCACTGTGTATACACCACG-3'